The following is an entry in ClinVar:

NM_032776.3(JMJD1C):c.6372T>G (p.Ser2124Arg)

Gene: JMJD1C (jumonji domain containing 1C; minus strand). Cytogenetic location: 10q21.3.
Variant type: single nucleotide variant.
Coding change: c.6372T>G on transcript NM_032776.3 (MANE Select); coding-DNA position 6372, T replaced by G.
Protein change: p.Ser2124Arg; replaces serine 2124 with arginine.
Molecular consequence: missense variant. On other transcripts: non-coding transcript variant (1).
Genome position (GRCh38, 1-based): chr10:63,189,366, A>C on the plus strand (T>G on the coding strand, the complement: JMJD1C is on the minus strand). VCF-style: chr10-63189366-A-C. GRCh37 (hg19) VCF-style: chr10-64949126-A-C.
Other names: c.5826T>G, p.Ser1942Arg (NM_001282948.2, NM_001318154.2); c.5508T>G, p.Ser1836Arg (NM_001318153.2); c.6258T>G, p.Ser2086Arg (NM_001322252.2); c.5715T>G, p.Ser1905Arg (NM_001322254.2, NM_001322258.2); short protein forms S1836R, S1905R, S1942R, S2086R, S2124R.
Identifiers: ClinVar variation 2640508 (VCV002640508.24), dbSNP rs2492402822, ClinGen allele CA377024148.

ClinVar aggregate classification (germline): Uncertain significance (1 of 4 stars; one submission).

Submission:

CeGaT Center for Human Genetics Tuebingen
Classification: Uncertain significance. Last evaluated: 2023-02-01. Review status: criteria provided, single submitter. Criteria: CeGaT Center For Human Genetics Tuebingen Variant Classification Criteria Version 2. Collection method: clinical testing. Allele origin: germline. Affected: yes. Observed: 1 variant allele.
Comment: JMJD1C: PM2, BP4